The following is an entry in ClinVar:

ClinVar aggregate classification (germline): Uncertain significance. Review status: criteria provided, multiple submitters, no conflicts (2 of 4 stars). 3 submissions from 3 submitters: Uncertain significance (3). Last evaluated 2025-05-14.

Conditions:
Hereditary cancer-predisposing syndrome. Also called: Tumor predisposition; Neoplastic Syndromes, Hereditary; Hereditary Cancer Syndrome; Hereditary neoplastic syndrome. Identifiers: Orphanet 140162, MedGen C0027672, MeSH D009386, MONDO:0015356.
Gorlin syndrome. Also called: Basal cell nevus syndrome; Nevoid Basal Cell Carcinoma Syndrome. Identifiers: Orphanet 377, MedGen C0004779, MONDO:0007187.

Allele frequency attached by ClinVar (database versions not stated): gnomAD exomes below 0.00001 and 0.00001; ExAC 0.00001.

Submissions (3):

Labcorp Genetics (formerly Invitae), Labcorp
Classification: Uncertain significance for Gorlin syndrome. Last evaluated: 2025-05-14. Review status: criteria provided, single submitter. Criteria: Invitae Variant Classification Sherloc (09022015). Collection method: clinical testing. Allele origin: germline.
Comment: This sequence change falls in intron 6 of the PTCH1 gene. It does not directly change the encoded amino acid sequence of the PTCH1 protein. It affects a nucleotide within the consensus splice site. This variant is present in population databases (rs775144388, gnomAD 0.003%). This variant has not been reported in the literature in individuals affected with PTCH1-related conditions. ClinVar contains an entry for this variant (Variation ID: 1060336). Variants that disrupt the consensus splice site are a relatively common cause of aberrant splicing (PMID: 17576681, 9536098). Algorithms developed to predict the effect of sequence changes on RNA splicing suggest that this variant is not likely to affect RNA splicing. In summary, the available evidence is currently insufficient to determine the role of this variant in disease. Therefore, it has been classified as a Variant of Uncertain Significance.

Quest Diagnostics Nichols Institute San Juan Capistrano
Classification: Uncertain significance. Last evaluated: 2025-03-01. Review status: criteria provided, single submitter. Criteria: Quest Diagnostics criteria. Collection method: clinical testing. Allele origin: unknown.
Comment: The PTCH1 c.945+3G>A variant has not been reported in individuals with PTCH1-related conditions in the published literature. The frequency of this variant in the general population (Genome Aggregation Database) is uninformative in the assessment of its pathogenicity. Analysis of this variant using software algorithms for the prediction of the effect of nucleotide changes on splicing yielded predictions that this variant does not affect PTCH1 mRNA splicing. Based on the available information, we are unable to determine the clinical significance of this variant.

Ambry Genetics
Classification: Uncertain significance for Hereditary cancer-predisposing syndrome. Last evaluated: 2023-09-20. Review status: criteria provided, single submitter. Criteria: Ambry Variant Classification Scheme 2023. Collection method: clinical testing. Allele origin: germline.
Comment: The c.945+3G>A intronic variant results from a G to A substitution 3 nucleotides after coding exon 6 in the PTCH1 gene. This nucleotide position is not well conserved in available vertebrate species. In silico splice site analysis predicts that this alteration will not have any significant effect on splicing. Since supporting evidence is limited at this time, the clinical significance of this alteration remains unclear.

Literature cited by the submitters: PubMed 17576681 (cited by Labcorp Genetics (formerly Invitae), Labcorp); PubMed 9536098 (cited by Labcorp Genetics (formerly Invitae), Labcorp).

NM_000264.5(PTCH1):c.945+3G>A

Gene: PTCH1 (patched 1; minus strand). Cytogenetic location: 9q22.32.
Variant type: single nucleotide variant.
Coding change: c.945+3G>A on transcript NM_000264.5 (MANE Select); 3 bases into the intron after coding-DNA position 945, G replaced by A.
Molecular consequence: intron variant.
Genome position (GRCh38, 1-based): chr9:95,480,387, C>T on the plus strand (G>A on the coding strand, the complement: PTCH1 is on the minus strand). VCF-style: chr9-95480387-C-T. GRCh37 (hg19) VCF-style: chr9-98242669-C-T.
Other names: c.942+3G>A (NM_001083603.3); c.747+3G>A (NM_001083602.3); c.945+3G>A (NM_001354918.2, NM_000264.3, NM_000264.4); c.492+3G>A (NM_001083605.3, NM_001083604.3, NM_001083606.3 and 1 more transcripts).
Identifiers: ClinVar variation 1060336 (VCV001060336.9), dbSNP rs775144388, ClinGen allele CA5138812.